The following is an entry in ClinVar:

ClinVar aggregate classification (germline): Uncertain significance (0 of 4 stars; one submission).

Conditions:
PLXNA4-related disorder. Also called: PLXNA4-related condition.

Allele frequency attached by ClinVar (database versions not stated): gnomAD exomes below 0.00001; ExAC 0.00001; TOPMed 0.00002; gnomAD 0.00003.

Submission:

PreventionGenetics, part of Exact Sciences
Classification: Uncertain significance for PLXNA4-related condition. Last evaluated: 2023-12-21. Review status: no assertion criteria provided. Collection method: clinical testing. Allele origin: germline.
Comment: The PLXNA4 c.5670G>A variant is predicted to result in the amino acid substitution p.Met1890Ile. To our knowledge, this variant has not been reported in the literature. This variant is reported in 0.017% of alleles in individuals of African descent in gnomAD. At this time, the clinical significance of this variant is uncertain due to the absence of conclusive functional and genetic evidence.

NM_020911.2(PLXNA4):c.5670G>A (p.Met1890Ile)

Gene: PLXNA4 (plexin A4; minus strand). Cytogenetic location: 7q32.3.
Variant type: single nucleotide variant.
Coding change: c.5670G>A on transcript NM_020911.2 (MANE Select); coding-DNA position 5670, G replaced by A.
Protein change: p.Met1890Ile; replaces methionine 1890 with isoleucine.
Molecular consequence: missense variant.
Genome position (GRCh38, 1-based): chr7:132,130,494, C>T on the plus strand (G>A on the coding strand, the complement: PLXNA4 is on the minus strand). VCF-style: chr7-132130494-C-T. GRCh37 (hg19) VCF-style: chr7-131815253-C-T.
Other names: c.5670G>A, p.Met1890Ile (NM_001393897.1); short protein forms M1890I.
Identifiers: ClinVar variation 3061667 (VCV003061667.2), dbSNP rs761156637, ClinGen allele CA4488831.